The following is an entry in ClinVar:

ClinVar aggregate classification (germline): Uncertain significance (1 of 4 stars; one submission).

Submission:

GeneDx
Classification: Uncertain significance. Last evaluated: 2021-03-30. Review status: criteria provided, single submitter. Criteria: GeneDx Variant Classification Process June 2021. Collection method: clinical testing. Allele origin: germline. Affected: yes.
Comment: Not observed in large population cohorts (Lek et al., 2016); In silico analysis supports that this missense variant does not alter protein structure/function; Has not been previously published as pathogenic or benign to our knowledge

NM_001080508.3(TBX18):c.181G>A (p.Ala61Thr)

Gene: TBX18 (T-box transcription factor 18; minus strand). Cytogenetic location: 6q14.3.
Variant type: single nucleotide variant.
Coding change: c.181G>A on transcript NM_001080508.3 (MANE Select); coding-DNA position 181, G replaced by A.
Protein change: p.Ala61Thr; replaces alanine 61 with threonine.
Molecular consequence: missense variant.
Genome position (GRCh38, 1-based): chr6:84,764,001, C>T on the plus strand (G>A on the coding strand, the complement: TBX18 is on the minus strand). VCF-style: chr6-84764001-C-T. GRCh37 (hg19) VCF-style: chr6-85473719-C-T.
Other names: short protein forms A61T.
Identifiers: ClinVar variation 1314432 (VCV001314432.2), dbSNP rs1171469376, ClinGen allele CA364892806.